The following is an entry in ClinVar:

ClinVar aggregate classification (germline): Uncertain significance (1 of 4 stars; one submission).

Conditions:
Autoimmune interstitial lung disease-arthritis syndrome. Also called: Autoinflammation and autoimmunity, systemic, with immune dysregulation. Identifiers: Orphanet 444092, MedGen C5975714, MONDO:0014629.

Submission:

Labcorp Genetics (formerly Invitae), Labcorp
Classification: Uncertain significance for Autoimmune interstitial lung disease-arthritis syndrome. Last evaluated: 2022-10-29. Review status: criteria provided, single submitter. Criteria: Invitae Variant Classification Sherloc (09022015). Collection method: clinical testing. Allele origin: germline.
Comment: In summary, the available evidence is currently insufficient to determine the role of this variant in disease. Therefore, it has been classified as a Variant of Uncertain Significance. Advanced modeling of protein sequence and biophysical properties (such as structural, functional, and spatial information, amino acid conservation, physicochemical variation, residue mobility, and thermodynamic stability) performed at Invitae indicates that this missense variant is not expected to disrupt COPA protein function. This variant has not been reported in the literature in individuals affected with COPA-related conditions. This variant is not present in population databases (gnomAD no frequency). This sequence change replaces proline, which is neutral and non-polar, with leucine, which is neutral and non-polar, at codon 977 of the COPA protein (p.Pro977Leu).

NM_004371.4(COPA):c.2930C>T (p.Pro977Leu)

Gene: COPA (coat protein complex I subunit alpha; minus strand). Cytogenetic location: 1q23.2.
Variant type: single nucleotide variant.
Coding change: c.2930C>T on transcript NM_004371.4 (MANE Select); coding-DNA position 2930, C replaced by T.
Protein change: p.Pro977Leu; replaces proline 977 with leucine.
Molecular consequence: missense variant.
Genome position (GRCh38, 1-based): chr1:160,292,514, G>A on the plus strand (C>T on the coding strand, the complement: COPA is on the minus strand). VCF-style: chr1-160292514-G-A. GRCh37 (hg19) VCF-style: chr1-160262304-G-A.
Other names: c.2957C>T, p.Pro986Leu (NM_001098398.2); short protein forms P977L, P986L.
Identifiers: ClinVar variation 2810541 (VCV002810541.3), dbSNP rs2525350505, ClinGen allele CA343272806.